The following is an entry in ClinVar:

ClinVar aggregate classification (germline): Pathogenic (1 of 4 stars; one submission).

Conditions:
Jeune thoracic dystrophy. Also called: Short-rib thoracic dysplasia; Jeune syndrome; Infantile thoracic dystrophy; Thoracic pelvic phalangeal dystrophy; Jeune's syndrome; Chondroectodermal dysplasia-like syndrome. Identifiers: Orphanet 474, MedGen C0265275, MONDO:0018770.

Submission:

Labcorp Genetics (formerly Invitae), Labcorp
Classification: Pathogenic for Jeune thoracic dystrophy. Last evaluated: 2023-09-27. Review status: criteria provided, single submitter. Criteria: Invitae Variant Classification Sherloc (09022015). Collection method: clinical testing. Allele origin: germline.
Comment: For these reasons, this variant has been classified as Pathogenic. This sequence change creates a premature translational stop signal (p.Asn2845Lysfs*4) in the DYNC2H1 gene. It is expected to result in an absent or disrupted protein product. Loss-of-function variants in DYNC2H1 are known to be pathogenic (PMID: 23339108, 32753734, 33755199). This variant is not present in population databases (gnomAD no frequency). This premature translational stop signal has been observed in individual(s) with DYNC2H1-related conditions (PMID: 22499340).

Literature cited by the submitters: PubMed 23339108; PubMed 32753734; PubMed 33755199; PubMed 22499340.

NM_001377.3(DYNC2H1):c.8534dup (p.Asn2845fs)

Gene: DYNC2H1 (dynein cytoplasmic 2 heavy chain 1; plus strand). Cytogenetic location: 11q22.3.
Variant type: Duplication.
Coding change: c.8534dup on transcript NM_001377.3 (MANE Select); coding-DNA position 8534, one base duplicated (A; older notation c.8534dupA).
Protein change: p.Asn2845fs; shifts the reading frame from asparagine 2845.
Molecular consequence: frameshift variant.
Genome position (GRCh38, 1-based): chr11:103,209,955, A duplicated; the last of 8 consecutive A bases (chr11:103,209,948-103,209,955); duplicating any one gives the same sequence. VCF-style (leftmost placement, unchanged base first): chr11-103209947-G-GA. GRCh37 (hg19) VCF-style: chr11-103080676-G-GA.
Other names: c.8534dup, p.Asn2845fs (NM_001080463.2); short protein forms N2845fs.
Identifiers: ClinVar variation 2793161 (VCV002793161.3), dbSNP rs431905507, ClinGen allele CA918956579.